The following is an entry in ClinVar:

ClinVar aggregate classification (germline): Uncertain significance (1 of 4 stars; one submission).

Conditions:
Hereditary cancer-predisposing syndrome. Also called: Neoplastic Syndromes, Hereditary; Tumor predisposition; Hereditary neoplastic syndrome; Hereditary Cancer Syndrome. Identifiers: Orphanet 140162, MedGen C0027672, MeSH D009386, MONDO:0015356.

Submission:

Ambry Genetics
Classification: Uncertain significance for Hereditary cancer-predisposing syndrome. Last evaluated: 2026-07-06. Review status: criteria provided, single submitter. Criteria: Ambry Variant Classification Scheme 2023. Collection method: clinical testing. Allele origin: germline.
Comment: The p.N392H variant (also known as c.1174A>C), located in coding exon 9 of the BMPR1A gene, results from an A to C substitution at nucleotide position 1174. The asparagine at codon 392 is replaced by histidine, an amino acid with similar properties. This amino acid position is conserved. In addition, this alteration is predicted to be tolerated by in silico analysis. Based on the available evidence, the clinical significance of this variant remains unclear.

NM_004329.3(BMPR1A):c.1174A>C (p.Asn392His)

Gene: BMPR1A (bone morphogenetic protein receptor type 1A; plus strand). Cytogenetic location: 10q23.2.
Variant type: single nucleotide variant.
Coding change: c.1174A>C on transcript NM_004329.3 (MANE Select); coding-DNA position 1174, A replaced by C.
Protein change: p.Asn392His; replaces asparagine 392 with histidine.
Molecular consequence: missense variant. On other transcripts: non-coding transcript variant (3).
Genome position (GRCh38, 1-based): chr10:86,921,527, A>C. VCF-style: chr10-86921527-A-C. GRCh37 (hg19) VCF-style: chr10-88681284-A-C.
Other names: c.1174A>C, p.Asn392His (NM_001406578.1, NM_001406579.1, NM_001406580.1 and 19 more transcripts); c.1168A>C, p.Asn390His (NM_001406583.1); c.1090A>C, p.Asn364His (NM_001406584.1, NM_001406585.1, NM_001406586.1 and 2 more transcripts); c.1249A>C, p.Asn417His (NM_001406559.1); c.1222A>C, p.Asn408His (NM_001406560.1); c.832A>C, p.Asn278His (NM_001406589.1); short protein forms N278H, N364H, N408H, N417H, N390H, N392H.
Identifiers: ClinVar variation 5032980 (VCV005032980.1).